The following is an entry in ClinVar:

NM_172245.4(CSF2RA):c.366G>C (p.Gln122His)

Gene: CSF2RA (colony stimulating factor 2 receptor subunit alpha; plus strand). Cytogenetic location: Xp22.33.
Variant type: single nucleotide variant.
Coding change: c.366G>C on transcript NM_172245.4 (MANE Select); coding-DNA position 366, G replaced by C.
Protein change: p.Gln122His; replaces glutamine 122 with histidine.
Molecular consequence: missense variant. On other transcripts: 5 prime UTR variant (1), non-coding transcript variant (1).
Genome position (GRCh38, 1-based): chrX:1,288,781, G>C. VCF-style: chrX-1288781-G-C. GRCh37 (hg19) VCF-style: chrX-1407674-G-C.
Other names: c.366G>C (NM_006140.4); c.366G>C, p.Gln122His (NM_001161529.2, NM_001161530.2, NM_001161531.2 and 20 more transcripts); c.-34G>C (NM_001161532.2); short protein forms Q122H.
Identifiers: ClinVar variation 1520539 (VCV001520539.6), dbSNP rs769068799, ClinGen allele CA10330786.

ClinVar aggregate classification (germline): Uncertain significance. Review status: criteria provided, multiple submitters, no conflicts (2 of 4 stars). 2 submissions from 2 submitters: Uncertain significance (2). Last evaluated 2026-07-31.

Conditions:
Surfactant metabolism dysfunction, pulmonary, 4 (SMDP4). Also called: CSF2RA DEFICIENCY; PAP DUE TO CSF2RA DEFICIENCY; PULMONARY ALVEOLAR PROTEINOSIS, CONGENITAL, 4. Identifiers: Orphanet 264675, MedGen C2677877, MONDO:0010424, OMIM 300770.
CSF2RA-related disorder. Also called: CSF2RA-related condition.

Allele frequency attached by ClinVar (database versions not stated): gnomAD 0.00001; gnomAD exomes 0.00002 and 0.00004; TOPMed 0.00002; ExAC 0.00003.
gnomAD v4.1: 56 of 1,613,784 alleles (0.0035%); highest among the groups gnomAD compares: Middle Eastern, 0.033%; no homozygotes.

Submissions (2):

PreventionGenetics, part of Exact Sciences
Classification: Uncertain significance for CSF2RA-related condition. Last evaluated: 2026-07-31. Review status: criteria provided, single submitter. Criteria: ACMG Guidelines, 2015. Collection method: clinical testing. Allele origin: germline.
Comment: The CSF2RA c.366G>C variant is predicted to result in the amino acid substitution p.Gln122His. To our knowledge, this variant has not been reported in the literature. This variant is reported in 0.0054% of alleles in individuals of European (Non-Finnish) descent in gnomAD. At this time, the clinical significance of this variant is uncertain due to the absence of conclusive functional and genetic evidence.

Labcorp Genetics (formerly Invitae), Labcorp
Classification: Uncertain significance for Surfactant metabolism dysfunction, pulmonary, 4. Last evaluated: 2022-08-09. Review status: criteria provided, single submitter. Criteria: Invitae Variant Classification Sherloc (09022015). Collection method: clinical testing. Allele origin: germline.
Comment: This sequence change replaces glutamine, which is neutral and polar, with histidine, which is basic and polar, at codon 122 of the CSF2RA protein (p.Gln122His). This variant is present in population databases (no rsID available, gnomAD 0.006%). This variant has not been reported in the literature in individuals affected with CSF2RA-related conditions. ClinVar contains an entry for this variant (Variation ID: 1520539). Algorithms developed to predict the effect of missense changes on protein structure and function are either unavailable or do not agree on the potential impact of this missense change (SIFT: "Tolerated"; PolyPhen-2: "Not Available"; Align-GVGD: "Class C0"). In summary, the available evidence is currently insufficient to determine the role of this variant in disease. Therefore, it has been classified as a Variant of Uncertain Significance.